The following is an entry in ClinVar:

ClinVar aggregate classification (germline): Uncertain significance (1 of 4 stars; one submission).

Conditions:
Developmental and epileptic encephalopathy, 23 (DEE23). Also called: Epileptic encephalopathy, early infantile, 23. Identifiers: Orphanet 411986, MedGen C4014492, MONDO:0014371, OMIM 615859.

Submission:

Labcorp Genetics (formerly Invitae), Labcorp
Classification: Uncertain significance for Developmental and epileptic encephalopathy, 23. Last evaluated: 2021-11-12. Review status: criteria provided, single submitter. Criteria: Invitae Variant Classification Sherloc (09022015). Collection method: clinical testing. Allele origin: germline.
Comment: This sequence change replaces valine, which is neutral and non-polar, with alanine, which is neutral and non-polar, at codon 100 of the DOCK7 protein (p.Val100Ala). This variant is not present in population databases (gnomAD no frequency). This variant has not been reported in the literature in individuals affected with DOCK7-related conditions. Algorithms developed to predict the effect of missense changes on protein structure and function (SIFT, PolyPhen-2, Align-GVGD) all suggest that this variant is likely to be tolerated. In summary, the available evidence is currently insufficient to determine the role of this variant in disease. Therefore, it has been classified as a Variant of Uncertain Significance.

NM_001367561.1(DOCK7):c.299T>C (p.Val100Ala)

Gene: DOCK7 (dedicator of cytokinesis 7; minus strand). Cytogenetic location: 1p31.3.
Variant type: single nucleotide variant.
Coding change: c.299T>C on transcript NM_001367561.1 (MANE Select); coding-DNA position 299, T replaced by C.
Protein change: p.Val100Ala; replaces valine 100 with alanine.
Molecular consequence: missense variant.
Genome position (GRCh38, 1-based): chr1:62,654,005, A>G on the plus strand (T>C on the coding strand, the complement: DOCK7 is on the minus strand). VCF-style: chr1-62654005-A-G. GRCh37 (hg19) VCF-style: chr1-63119676-A-G.
Other names: c.299T>C, p.Val100Ala (NM_001271999.2, NM_001272000.2, NM_001272001.2 and 3 more transcripts); short protein forms V100A.
Identifiers: ClinVar variation 1498208 (VCV001498208.6), dbSNP rs2149694302, ClinGen allele CA340704153.